The following is an entry in ClinVar:

ClinVar aggregate classification (germline): Pathogenic/Likely pathogenic. Review status: criteria provided, multiple submitters, no conflicts (2 of 4 stars). 8 submissions from 8 submitters: Pathogenic (5); Likely pathogenic (2). 1 of the submissions does not count toward it. Last evaluated 2025-02-28.

Conditions:
LAMB3-related disorder. Also called: LAMB3-related condition.
Junctional epidermolysis bullosa, non-Herlitz type. Also called: COL17A1-Related Junctional Epidermolysis Bullosa; EPIDERMOLYSIS BULLOSA, JUNCTIONAL 1A, INTERMEDIATE; EPIDERMOLYSIS BULLOSA JUNCTIONALIS, DISENTIS TYPE; EPIDERMOLYSIS BULLOSA JUNCTIONALIS, NON-HERLITZ TYPE; EPIDERMOLYSIS BULLOSA JUNCTIONALIS, PROGRESSIVE; EPIDERMOLYSIS BULLOSA JUNCTIONALIS, SEVERE NONLETHAL. Identifiers: Orphanet 251393, Orphanet 79402, Orphanet 79405, Orphanet 89840, MedGen C0268374, MONDO:0009180, OMIM 226650.
Amelogenesis imperfecta type 1A. Also called: Amelogenesis imperfecta, hypoplastic type; Amelogenesis imperfecta, type IA; Amelogenesis imperfecta local hypoplastic; AMELOGENESIS IMPERFECTA, HYPOPLASTIC TYPE IA. Identifiers: Orphanet 88661, MedGen C4011403, MONDO:0007094, OMIM 104530.
Junctional epidermolysis bullosa gravis of Herlitz. Also called: Herlitz-type junctional epidermolysis bullosa; EPIDERMOLYSIS BULLOSA, JUNCTIONAL 1B, SEVERE; JEB-HERLITZ TYPE; EPIDERMOLYSIS BULLOSA JUNCTIONALIS, HERLITZ TYPE; EPIDERMOLYSIS BULLOSA, JUNCTIONAL, HERLITZ-PEARSON TYPE; Epidermolysis Bullosa Letalis. Identifiers: Orphanet 79404, MedGen C0079683, MONDO:0009182, OMIM 226700.
Junctional epidermolysis bullosa. Identifiers: Orphanet 305, MedGen C0079301, MONDO:0017612.

Allele frequency attached by ClinVar (database versions not stated): gnomAD 0.00001; gnomAD exomes 0.00001; TOPMed 0.00002.

Submissions (8):

Myriad Genetics, Inc.
Classification: Likely pathogenic for Junctional epidermolysis bullosa. Last evaluated: 2025-02-28. Review status: criteria provided, single submitter. Criteria: Myriad Autosomal Dominant, Autosomal Recessive and X-Linked Classification Criteria (2023). Collection method: clinical testing. Allele origin: unknown.
Comment: NM_000228.2(LAMB3):c.628G>A(E210K) is a missense variant classified as likely pathogenic in the context of junctional epidermolysis bullosa, LAMB3-related. E210K has been observed in cases with relevant disease (PMID: 7706760, 9767254, 8618020, 15373767, 16473856). Relevant functional assessments of this variant are not available in the literature. E210K has not been observed in referenced population frequency databases. In summary, NM_000228.2(LAMB3):c.628G>A(E210K) is a missense variant that has been observed more frequently in cases with the relevant disease than in healthy populations. Please note: this variant was assessed in the context of healthy population screening.

PreventionGenetics, part of Exact Sciences
Classification: Pathogenic for LAMB3-related condition. Last evaluated: 2025-01-03. Review status: criteria provided, single submitter. Criteria: ACMG Guidelines, 2015. Collection method: clinical testing. Allele origin: germline.
Comment: The LAMB3 c.628G>A variant is predicted to result in the amino acid substitution p.Glu210Lys. This variant has been reported in the homozygous or compound heterozygous states in individuals with junctional epidermolysis bullosa (see for examples, McGrath et al. 1995. PubMed ID: 7706760; Mellerio et al. 1998. PubMed ID: 9767254; Pasmooij et al. 2009. PubMed ID: 19369679). This variant resides in the last nucleotide of exon 7; and, based on available splicing prediction programs (Alamut Visual v1.6.1; SpliceAI, Jaganathan et al. 2019. PubMed ID: 30661751), it is predicted to weaken the canonical splice donor site. Functional studies support its pathogenicity (McGrath et al. 1995. PubMed ID: 7706760; Posteraro et al. 1998. PubMed ID: 9501007; Pulkkinen et al. 1998. PubMed ID: 9690563). This variant has not been reported in a large population database (gnomAD), indicating this variant is rare. This variant is interpreted as pathogenic.

Fulgent Genetics
Classification: Pathogenic for Amelogenesis imperfecta type 1A; Junctional epidermolysis bullosa, non-Herlitz type; Junctional epidermolysis bullosa gravis of Herlitz. Last evaluated: 2024-01-31. Review status: criteria provided, single submitter. Criteria: ACMG Guidelines, 2015. Collection method: clinical testing. Allele origin: germline.

Labcorp Genetics (formerly Invitae), Labcorp
Classification: Pathogenic. Last evaluated: 2023-10-06. Review status: criteria provided, single submitter. Criteria: Invitae Variant Classification Sherloc (09022015). Collection method: clinical testing. Allele origin: germline.
Comment: This sequence change replaces glutamic acid, which is acidic and polar, with lysine, which is basic and polar, at codon 210 of the LAMB3 protein (p.Glu210Lys). This variant also falls at the last nucleotide of exon 7, which is part of the consensus splice site for this exon. This variant is not present in population databases (gnomAD no frequency). This missense change has been observed in individual(s) with junctional epidermolysis bullosa (PMID: 7706760, 17476356). In at least one individual the data is consistent with being in trans (on the opposite chromosome) from a pathogenic variant. It has also been observed to segregate with disease in related individuals. ClinVar contains an entry for this variant (Variation ID: 14543). An algorithm developed to predict the effect of missense changes on protein structure and function (PolyPhen-2) suggests that this variant is likely to be tolerated. Variants that disrupt the consensus splice site are a relatively common cause of aberrant splicing (PMID: 17576681, 9536098). Studies have shown that this missense change is associated with altered splicing resulting in multiple RNA products (PMID: 9690563). For these reasons, this variant has been classified as Pathogenic.

GeneDx
Classification: Pathogenic. Last evaluated: 2023-03-22. Review status: criteria provided, single submitter. Criteria: GeneDx Variant Classification Process June 2021. Collection method: clinical testing. Allele origin: germline. Affected: yes.
Comment: Published functional studies suggest abnormal splicing as multiple aberrant LAMB3 transcripts were identified in skin cells of a homozygous individual; a blistering phenotype was also seen in homozygous knock-in mice (Pasmooij et al., 2007; Hammersen et al., 2015); Not observed in large population cohorts (gnomAD); In silico analysis supports a deleterious effect on splicing; In silico analysis supports that this missense variant does not alter protein structure/function; This variant is associated with the following publications: (PMID: 7706760, 9690563, 9501007, 9767254, 8618020, 25350318, 17115047, 32124492, 17476356)

Women's Health and Genetics/Laboratory Corporation of America, LabCorp
Classification: Pathogenic for Junctional epidermolysis bullosa. Last evaluated: 2023-02-01. Review status: criteria provided, single submitter. Criteria: LabCorp Variant Classification Summary - May 2015. Collection method: clinical testing. Allele origin: germline.
Comment: Variant summary: LAMB3 c.628G>A (p.Glu210Lys) results in a conservative amino acid change located in the Laminin, N-terminal domain (IPR008211) of the encoded protein sequence. Four of five in-silico tools predict a benign effect of the variant on protein function. Several computational tools predict a significant impact on normal splicing: Two predict the variant abolishes the canonical 5' donor site. At least one publication reports experimental evidence that this variant affects mRNA splicing (example: Pasmooji_2007). The variant was absent in 251490 control chromosomes (gnomAD). c.628G>A has been reported in the literature in multiple individuals affected with Junctional Epidermolysis Bullosa (examples: McGrath_1995, and Jonkman_2009) . These data indicate that the variant is very likely to be associated with disease. One clinical diagnostic laboratory has submitted clinical-significance assessments for this variant to ClinVar after 2014 and classified the variant as pathogenic. Based on the evidence outlined above, the variant was classified as pathogenic.

Molecular Diagnostics Laboratory, M Health Fairview: University of Minnesota
Classification: Likely pathogenic for Junctional epidermolysis bullosa, non-Herlitz type. Last evaluated: 2023-01-05. Review status: criteria provided, single submitter. Criteria: ACMG Guidelines, 2015. Collection method: clinical testing. Allele origin: germline. Affected: yes.

OMIM
Classification: Pathogenic for EPIDERMOLYSIS BULLOSA, JUNCTIONAL 1A, INTERMEDIATE. Last evaluated: 2007-05-01. Review status: no assertion criteria provided. Collection method: literature only. Allele origin: unknown. Not counted in ClinVar's aggregate classification.

Literature cited by the submitters: PubMed 15373767 (cited by Myriad Genetics, Inc.); PubMed 16473856 (cited by Myriad Genetics, Inc.); PubMed 7706760 (cited by 4 submitters); PubMed 8618020 (cited by Myriad Genetics, Inc.); PubMed 9767254 (cited by Myriad Genetics, Inc. and OMIM); PubMed 17476356 (cited by Labcorp Genetics (formerly Invitae), Labcorp and OMIM); PubMed 17576681 (cited by Labcorp Genetics (formerly Invitae), Labcorp); PubMed 9536098 (cited by Labcorp Genetics (formerly Invitae), Labcorp); PubMed 9690563 (cited by Labcorp Genetics (formerly Invitae), Labcorp); PubMed 19369679 (cited by Women's Health and Genetics/Laboratory Corporation of America, LabCorp); PubMed 20574443 (cited by Women's Health and Genetics/Laboratory Corporation of America, LabCorp); PubMed 9501007 (cited by OMIM).

NM_000228.3(LAMB3):c.628G>A (p.Glu210Lys)

Gene: LAMB3 (laminin subunit beta 3; minus strand). Cytogenetic location: 1q32.2.
Variant type: single nucleotide variant.
Coding change: c.628G>A on transcript NM_000228.3 (MANE Select); coding-DNA position 628, G replaced by A.
Protein change: p.Glu210Lys; replaces glutamic acid 210 with lysine.
Molecular consequence: missense variant.
Genome position (GRCh38, 1-based): chr1:209,633,070, C>T on the plus strand (G>A on the coding strand, the complement: LAMB3 is on the minus strand). VCF-style: chr1-209633070-C-T. GRCh37 (hg19) VCF-style: chr1-209806415-C-T.
Other names: p.Glu210Lys; c.628G>A, p.Glu210Lys (NM_001017402.2, NM_001127641.1); short protein forms E210K.
Identifiers: ClinVar variation 14543 (VCV000014543.14), dbSNP rs121912482, ClinGen allele CA257275.